The following is an entry in ClinVar:

NM_002471.4(MYH6):c.379C>G (p.Pro127Ala)

Genes: MYH6 (myosin heavy chain 6; minus strand), LOC114827851 (VISTA enhancer hs2155; plus strand). Cytogenetic location: 14q11.2.
Variant type: single nucleotide variant.
Coding change: c.379C>G on transcript NM_002471.4 (MANE Select); coding-DNA position 379, C replaced by G.
Protein change: p.Pro127Ala; replaces proline 127 with alanine.
Molecular consequence: missense variant.
Genome position (GRCh38, 1-based): chr14:23,405,346, G>C on the plus strand (C>G on the coding strand, the complement: MYH6 is on the minus strand). VCF-style: chr14-23405346-G-C. GRCh37 (hg19) VCF-style: chr14-23874555-G-C.
Other names: short protein forms P127A.
Identifiers: ClinVar variation 537957 (VCV000537957.8), dbSNP rs1555335108, ClinGen allele CA389031152.

ClinVar aggregate classification (germline): Uncertain significance (1 of 4 stars; one submission).

Conditions:
Hypertrophic cardiomyopathy 14. Identifiers: MedGen C2750467, MONDO:0013197, OMIM 613251.

Submission:

Labcorp Genetics (formerly Invitae), Labcorp
Classification: Uncertain significance for Hypertrophic cardiomyopathy 14. Last evaluated: 2017-08-28. Review status: criteria provided, single submitter. Criteria: Invitae Variant Classification Sherloc (09022015). Collection method: clinical testing. Allele origin: germline.
Comment: In summary, the available evidence is currently insufficient to determine the role of this variant in disease. Therefore, it has been classified as a Variant of Uncertain Significance. Algorithms developed to predict the effect of missense changes on protein structure and function do not agree on the potential impact of this missense change (SIFT: "Deleterious"; PolyPhen-2: "Benign"; Align-GVGD: "Class C0"). This variant has not been reported in the literature in individuals with MYH6-related disease. This variant is not present in population databases (ExAC no frequency). This sequence change replaces proline with alanine at codon 127 of the MYH6 protein (p.Pro127Ala). The proline residue is weakly conserved and there is a small physicochemical difference between proline and alanine.